The following is an entry in ClinVar:

NM_000073.3(CD3G):c.353T>C (p.Phe118Ser)

Genes: CD3G (CD3 gamma subunit of T-cell receptor complex; plus strand), LOC126861358 (BRD4-independent group 4 enhancer GRCh37_chr11:118220212-118221411; plus strand). Cytogenetic location: 11q23.3.
Variant type: single nucleotide variant.
Coding change: c.353T>C on transcript NM_000073.3 (MANE Select); coding-DNA position 353, T replaced by C.
Protein change: p.Phe118Ser; replaces phenylalanine 118 with serine.
Molecular consequence: missense variant.
Genome position (GRCh38, 1-based): chr11:118,350,597, T>C. VCF-style: chr11-118350597-T-C. GRCh37 (hg19) VCF-style: chr11-118221312-T-C.
Other names: short protein forms F118S.
Identifiers: ClinVar variation 849416 (VCV000849416.6), dbSNP rs781239764, ClinGen allele CA6302160.
Genomic context (GRCh38, chr11:118,350,597, plus strand): 5'-TCCTTTTCCCTACAGTGTGTCAGAACTGCATTGAACTAAATGCAGCCACCATATCTGGCT[T>C]TCTCTTTGCTGAAATCGTCAGCATTTTCGTCCTTGCTGTTGGGGTCTACTTCATTGCTGG-3'
Protein context (NP_000064.1, residues 108-128): IELNAATISG[Phe118Ser]LFAEIVSIFV

ClinVar aggregate classification (germline): Uncertain significance (1 of 4 stars; one submission).

Conditions:
Combined immunodeficiency due to CD3gamma deficiency. Also called: CD3-GAMMA DEFICIENCY; SCID-LIKE IMMUNODEFICIENCY, T CELL-PARTIAL, B CELL-POSITIVE, NK CELL-POSITIVE; Immunodeficiency 17; Immunodeficiency 17, CD3 gamma deficient. Identifiers: Orphanet 169082, MedGen C3810107, MONDO:0014276, OMIM 615607.

Allele frequency attached by ClinVar (database versions not stated): gnomAD 0.00001; gnomAD exomes 0.00002; TOPMed 0.00002; ExAC 0.00002.
gnomAD v4.1: 35 of 1,614,042 alleles (0.0022%); highest among the groups gnomAD compares: Non-Finnish European, 0.003%; no homozygotes.

Submission:

Labcorp Genetics (formerly Invitae), Labcorp
Classification: Uncertain significance for Combined immunodeficiency due to CD3gamma deficiency. Last evaluated: 2023-11-10. Review status: criteria provided, single submitter. Criteria: Invitae Variant Classification Sherloc (09022015). Collection method: clinical testing. Allele origin: germline.
Comment: This sequence change replaces phenylalanine, which is neutral and non-polar, with serine, which is neutral and polar, at codon 118 of the CD3G protein (p.Phe118Ser). This variant is present in population databases (rs781239764, gnomAD 0.004%). This variant has not been reported in the literature in individuals affected with CD3G-related conditions. ClinVar contains an entry for this variant (Variation ID: 849416). An algorithm developed to predict the effect of missense changes on protein structure and function (PolyPhen-2) suggests that this variant is likely to be disruptive. In summary, the available evidence is currently insufficient to determine the role of this variant in disease. Therefore, it has been classified as a Variant of Uncertain Significance.